The following is an entry in ClinVar:

ClinVar aggregate classification (germline): Uncertain significance (1 of 4 stars; one submission).

Allele frequency attached by ClinVar (database versions not stated): gnomAD exomes below 0.00001; ExAC 0.00001.
gnomAD v4.1: 7 of 1,613,908 alleles (0.00043%); highest among the groups gnomAD compares: Non-Finnish European, 0.00042%; no homozygotes.

Submission:

Labcorp Genetics (formerly Invitae), Labcorp
Classification: Uncertain significance. Last evaluated: 2022-03-27. Review status: criteria provided, single submitter. Criteria: Invitae Variant Classification Sherloc (09022015). Collection method: clinical testing. Allele origin: germline.
Comment: This variant is present in population databases (rs758395671, gnomAD 0.002%). In summary, the available evidence is currently insufficient to determine the role of this variant in disease. Therefore, it has been classified as a Variant of Uncertain Significance. Advanced modeling of protein sequence and biophysical properties (such as structural, functional, and spatial information, amino acid conservation, physicochemical variation, residue mobility, and thermodynamic stability) performed at Invitae indicates that this missense variant is expected to disrupt CYP4V2 protein function. This variant has not been reported in the literature in individuals affected with CYP4V2-related conditions. This sequence change replaces tyrosine, which is neutral and polar, with cysteine, which is neutral and slightly polar, at codon 457 of the CYP4V2 protein (p.Tyr457Cys).

NM_207352.4(CYP4V2):c.1370A>G (p.Tyr457Cys)

Gene: CYP4V2 (cytochrome P450 family 4 subfamily V member 2; plus strand). Cytogenetic location: 4q35.2.
Variant type: single nucleotide variant.
Coding change: c.1370A>G on transcript NM_207352.4 (MANE Select); coding-DNA position 1370, A replaced by G.
Protein change: p.Tyr457Cys; replaces tyrosine 457 with cysteine.
Molecular consequence: missense variant.
Genome position (GRCh38, 1-based): chr4:186,209,237, A>G. VCF-style: chr4-186209237-A-G. GRCh37 (hg19) VCF-style: chr4-187130391-A-G.
Other names: short protein forms Y457C.
Identifiers: ClinVar variation 2118156 (VCV002118156.4), dbSNP rs758395671, ClinGen allele CA3162843.